The following is an entry in ClinVar:

NM_000533.5(PLP1):c.268G>A (p.Gly90Ser)

Genes: RAB9B (RAB9B, member RAS oncogene family; minus strand), PLP1 (proteolipid protein 1; plus strand). Cytogenetic location: Xq22.2.
Variant type: single nucleotide variant.
Coding change: c.268G>A on transcript NM_000533.5 (MANE Select); coding-DNA position 268, G replaced by A.
Protein change: p.Gly90Ser; replaces glycine 90 with serine.
Molecular consequence: missense variant.
Genome position (GRCh38, 1-based): chrX:103,786,541, G>A. VCF-style: chrX-103786541-G-A. GRCh37 (hg19) VCF-style: chrX-103041470-G-A.
Other names: c.268G>A, p.Gly90Ser (NM_001128834.3, NM_199478.3); c.103G>A, p.Gly35Ser (NM_001305004.1); short protein forms G35S, G90S.
Identifiers: ClinVar variation 3351826 (VCV003351826.1).
Genomic context (GRCh38, chrX:103,786,541, plus strand): 5'-TATGTCATCTATGGAACTGCCTCTTTCTTCTTCCTTTATGGGGCCCTCCTGCTGGCTGAG[G>A]GCTTCTACACCACCGGCGCAGTCAGGCAGATCTTTGGCGACTACAAGACCACCATCTGCG-3'
Protein context (NP_000524.3, residues 80-100): FLYGALLLAE[Gly90Ser]FYTTGAVRQI

ClinVar aggregate classification (germline): Uncertain significance (0 of 4 stars; one submission).

Conditions:
PLP1-related disorder. Also called: PLP1-related condition; PLP1-Related Disorders. Identifiers: MedGen CN378767.

gnomAD v4.1: 2 of 1,211,276 alleles (0.00017%); highest among the groups gnomAD compares: Admixed American, 0.0043%; no homozygotes.

Submission:

PreventionGenetics, part of Exact Sciences
Classification: Uncertain significance for PLP1-related condition. Last evaluated: 2024-09-09. Review status: no assertion criteria provided. Collection method: clinical testing. Allele origin: germline.
Comment: The PLP1 c.268G>A variant is predicted to result in the amino acid substitution p.Gly90Ser. To our knowledge, this variant has not been reported in the literature. This variant is reported in 0.0073% of alleles in individuals of Latino descent in gnomAD. At this time, the clinical significance of this variant is uncertain due to the absence of conclusive functional and genetic evidence.